The following is an entry in ClinVar:

NM_007294.4(BRCA1):c.1467G>A (p.Glu489=)

Gene: BRCA1 (BRCA1 DNA repair associated; minus strand). Cytogenetic location: 17q21.31.
Variant type: single nucleotide variant.
Coding change: c.1467G>A on transcript NM_007294.4 (MANE Select); coding-DNA position 1467, G replaced by A.
Protein change: p.Glu489=; no amino-acid change (glutamic acid 489 retained).
Molecular consequence: synonymous variant. On other transcripts: intron variant (137).
Genome position (GRCh38, 1-based): chr17:43,094,064, C>T on the plus strand (G>A on the coding strand, the complement: BRCA1 is on the minus strand). VCF-style: chr17-43094064-C-T. GRCh37 (hg19) VCF-style: chr17-41246081-C-T.
Other names: c.1254G>A, p.Glu418= (NM_001407571.1, NM_001407853.1, NM_001407894.1 and 9 more transcripts); c.1467G>A, p.Glu489= (NM_001407581.1, NM_001407582.1, NM_001407583.1 and 30 more transcripts); c.1464G>A, p.Glu488= (NM_001407587.1, NM_001407590.1, NM_001407591.1 and 22 more transcripts); c.1458G>A, p.Glu486= (NM_001407646.1, NM_001407647.1); c.1344G>A, p.Glu448= (NM_001407648.1, NM_001407664.1, NM_001407665.1 and 19 more transcripts); c.1341G>A, p.Glu447= (NM_001407649.1, NM_001407670.1, NM_001407671.1 and 11 more transcripts); c.1389G>A, p.Glu463= (NM_001407653.1, NM_001407654.1, NM_001407655.1 and 4 more transcripts); c.1386G>A, p.Glu462= (NM_001407659.1, NM_001407660.1, NM_001407661.1 and 1 more transcripts); and 40 more.
Identifiers: ClinVar variation 193695 (VCV000193695.25), dbSNP rs794726997, ClinGen allele CA000985.

ClinVar aggregate classification (germline): Likely benign. Review status: reviewed by expert panel (3 of 4 stars). 7 submissions from 7 submitters: Likely benign (1). 6 of the submissions do not count toward it. Last evaluated 2017-06-29.

Conditions:
Hereditary breast ovarian cancer syndrome. Also called: Hereditary breast and ovarian cancer syndrome; Hereditary breast and ovarian cancer syndrome (HBOC); BRCA1- and BRCA2-Associated Hereditary Breast and Ovarian Cancer; Breast and ovarian cancer; Hereditary breast and ovarian cancer; Hereditary breast and/or ovarian cancer syndrome. Identifiers: Orphanet 145, MedGen C0677776, MeSH D061325, MONDO:0003582. Disease mechanism: loss of function.
Hereditary cancer-predisposing syndrome. Also called: Hereditary Cancer Syndrome; Hereditary neoplastic syndrome; Tumor predisposition; Neoplastic Syndromes, Hereditary. Identifiers: Orphanet 140162, MedGen C0027672, MeSH D009386, MONDO:0015356.
Breast-ovarian cancer, familial, susceptibility to, 1 (BROVCA1). Also called: OVARIAN CANCER, SUSCEPTIBILITY TO; BRCA1 Hereditary Breast and Ovarian Cancer. Identifiers: Orphanet 145, MedGen C2676676, MONDO:0011450, OMIM 604370. Disease mechanism: loss of function.

Allele frequency attached by ClinVar (database versions not stated): gnomAD exomes 0.00001.
gnomAD v4.1: 7 of 1,614,080 alleles (0.00043%); highest among the groups gnomAD compares: Non-Finnish European, 0.00051%; no homozygotes.

Submissions (7):

Evidence-based Network for the Interpretation of Germline Mutant Alleles (ENIGMA)
Classification: Likely benign for Breast-ovarian cancer, familial, susceptibility to, 1. Last evaluated: 2017-06-29. Review status: reviewed by expert panel. Criteria: ENIGMA BRCA1/2 Classification Criteria (2017-06-29). Collection method: curation. Allele origin: germline.
Comment: Synonymous substitution variant, with low bioinformatic likelihood to result in a splicing aberration (Splicing prior probability 0.02).

Labcorp Genetics (formerly Invitae), Labcorp
Classification: Likely benign for Hereditary breast ovarian cancer syndrome. Last evaluated: 2025-05-05. Review status: criteria provided, single submitter. Criteria: Invitae Variant Classification Sherloc (09022015). Collection method: clinical testing. Allele origin: germline. Not counted in ClinVar's aggregate classification.

All of Us Research Program, National Institutes of Health
Classification: Likely benign for Breast-ovarian cancer, familial, susceptibility to, 1. Last evaluated: 2023-04-03. Review status: criteria provided, single submitter. Criteria: ACMG Guidelines, 2015. Collection method: clinical testing. Allele origin: germline. Inheritance: Autosomal dominant inheritance. Observed: 1 variant allele, 1 heterozygote. Not counted in ClinVar's aggregate classification.
Comment: This study involves interpretation of variants in research participants for the purpose of population health screening. Participant phenotype was not available at the time of variant classification. Additional details can be found in publication PMID: 35346344, PMCID: PMC8962531

Women's Health and Genetics/Laboratory Corporation of America, LabCorp
Classification: Likely benign. Last evaluated: 2019-08-21. Review status: criteria provided, single submitter. Criteria: LabCorp Variant Classification Summary - May 2015. Collection method: clinical testing. Allele origin: germline. Not counted in ClinVar's aggregate classification.

Color Diagnostics, LLC DBA Color Health
Classification: Likely benign for Hereditary cancer-predisposing syndrome. Last evaluated: 2019-05-08. Review status: criteria provided, single submitter. Criteria: ACMG Guidelines, 2015. Collection method: clinical testing. Allele origin: germline. Not counted in ClinVar's aggregate classification.

Ambry Genetics
Classification: Likely benign for Hereditary cancer-predisposing syndrome. Last evaluated: 2019-03-30. Review status: criteria provided, single submitter. Criteria: Ambry Variant Classification Scheme 2023. Collection method: clinical testing. Allele origin: germline. Not counted in ClinVar's aggregate classification.

Eurofins Ntd Llc (ga)
Classification: Uncertain significance. Last evaluated: 2014-09-05. Review status: criteria provided, single submitter. Criteria: EGL Classification Definitions 2015. Collection method: clinical testing. Allele origin: germline. Not counted in ClinVar's aggregate classification.